The following is an entry in ClinVar:

NM_001830.4(CLCN4):c.1969G>A (p.Ala657Thr)

Gene: CLCN4 (chloride voltage-gated channel 4; plus strand). Cytogenetic location: Xp22.2.
Variant type: single nucleotide variant.
Coding change: c.1969G>A on transcript NM_001830.4 (MANE Select); coding-DNA position 1969, G replaced by A.
Protein change: p.Ala657Thr; replaces alanine 657 with threonine.
Molecular consequence: missense variant.
Genome position (GRCh38, 1-based): chrX:10,214,073, G>A. VCF-style: chrX-10214073-G-A. GRCh37 (hg19) VCF-style: chrX-10182113-G-A.
Other names: c.1687G>A, p.Ala563Thr (NM_001256944.2); short protein forms A563T, A657T.
Identifiers: ClinVar variation 2807691 (VCV002807691.3), dbSNP rs776720563, ClinGen allele CA10347314.
Genomic context (GRCh38, chrX:10,214,073, plus strand): 5'-GTGGTCTCCAGAGACTCCGAGCGCCTCATTGGATTTGCCCAGAGGAGGGAACTGATTCTC[G>A]CAATAAGTGAGTAAAGAGAGGGAAGCTCACATTTTACCAAGAGCCGAATGGCATCCTTTG-3'
Protein context (NP_001821.2, residues 647-667): GFAQRRELIL[Ala657Thr]IKNARQRQEG

ClinVar aggregate classification (germline): Uncertain significance (1 of 4 stars; one submission).

Allele frequency attached by ClinVar (database versions not stated): ExAC 0.00002.

Submission:

Labcorp Genetics (formerly Invitae), Labcorp
Classification: Uncertain significance. Last evaluated: 2023-10-22. Review status: criteria provided, single submitter. Criteria: Invitae Variant Classification Sherloc (09022015). Collection method: clinical testing. Allele origin: germline.
Comment: This sequence change replaces alanine, which is neutral and non-polar, with threonine, which is neutral and polar, at codon 657 of the CLCN4 protein (p.Ala657Thr). The frequency data for this variant in the population databases is considered unreliable, as metrics indicate poor data quality at this position in the gnomAD database. This variant has not been reported in the literature in individuals affected with CLCN4-related conditions. Advanced modeling of protein sequence and biophysical properties (such as structural, functional, and spatial information, amino acid conservation, physicochemical variation, residue mobility, and thermodynamic stability) has been performed at Invitae for this missense variant, however the output from this modeling did not meet the statistical confidence thresholds required to predict the impact of this variant on CLCN4 protein function. In summary, the available evidence is currently insufficient to determine the role of this variant in disease. Therefore, it has been classified as a Variant of Uncertain Significance.